The following is an entry in ClinVar:

NM_001710.6(CFB):c.1050G>T (p.Lys350Asn)

Gene: CFB (complement factor B; plus strand). Cytogenetic location: 6p21.33.
Variant type: single nucleotide variant.
Coding change: c.1050G>T on transcript NM_001710.6 (MANE Select); coding-DNA position 1050, G replaced by T.
Protein change: p.Lys350Asn; replaces lysine 350 with asparagine.
Molecular consequence: missense variant.
Genome position (GRCh38, 1-based): chr6:31,948,843, G>T. VCF-style: chr6-31948843-G-T. GRCh37 (hg19) VCF-style: chr6-31916620-G-T.
Other names: short protein forms K350N.
Identifiers: ClinVar variation 4280405 (VCV004280405.1).

ClinVar aggregate classification (germline): Pathogenic (1 of 4 stars; one submission).

Conditions:
Atypical hemolytic-uremic syndrome. Identifiers: Orphanet 2134, MedGen C2931788, MONDO:0016244.

Submission:

Genomenon, Inc
Classification: Pathogenic for Atypical hemolytic-uremic syndrome. Last evaluated: 2025-09-26. Review status: criteria provided, single submitter. Criteria: Genomenon Sequence Variant Interpretation Standards - Updated. Collection method: curation. Allele origin: germline. Affected: yes.
Comment: CFB p.Lys350Asn (c.1050G>T) is a missense variant that changes the amino acid at residue 350 from Lysine to Asparagine. This variant has been observed in at least one proband affected with atypical hemolytic-uremic syndrome (PMID:28056875). At least one functional study has demonstrated a substantial alteration in protein function relative to the wild-type (PMID:24652797). It is absent or not present at a significant frequency in gnomAD. Another cDNA variant that causes the same protein consequence has been determined to be pathogenic. In conclusion, we classify CFB p.Lys350Asn (c.1050G>T) as a pathogenic variant.

Literature cited by the submitters: PubMed 28056875; 24652797.